The following is an entry in ClinVar:

ClinVar aggregate classification (germline): Uncertain significance. Review status: criteria provided, multiple submitters, no conflicts (2 of 4 stars). 2 submissions from 2 submitters: Uncertain significance (2). Last evaluated 2024-03-08.

Conditions:
Inborn genetic diseases. Identifiers: MedGen C0950123, MeSH D030342.

Allele frequency attached by ClinVar (database versions not stated): gnomAD 0.00002; TOPMed 0.00004.
gnomAD v4.1: 9 of 1,548,344 alleles (0.00058%); highest among the groups gnomAD compares: East Asian, 0.0024%; no homozygotes.

Submissions (2):

Ambry Genetics
Classification: Uncertain significance for Inborn genetic diseases. Last evaluated: 2024-03-08. Review status: criteria provided, single submitter. Criteria: Ambry Variant Classification Scheme 2023. Collection method: clinical testing. Allele origin: germline.

Labcorp Genetics (formerly Invitae), Labcorp
Classification: Uncertain significance. Last evaluated: 2023-04-09. Review status: criteria provided, single submitter. Criteria: Invitae Variant Classification Sherloc (09022015). Collection method: clinical testing. Allele origin: germline.
Comment: This variant has not been reported in the literature in individuals affected with ALX4-related conditions. The frequency data for this variant in the population databases is considered unreliable, as metrics indicate poor data quality at this position in the gnomAD database. An algorithm developed to predict the effect of missense changes on protein structure and function (PolyPhen-2) suggests that this variant is likely to be tolerated. In summary, the available evidence is currently insufficient to determine the role of this variant in disease. Therefore, it has been classified as a Variant of Uncertain Significance. This sequence change replaces glutamine, which is neutral and polar, with proline, which is neutral and non-polar, at codon 104 of the ALX4 protein (p.Gln104Pro).

NM_021926.4(ALX4):c.311A>C (p.Gln104Pro)

Gene: ALX4 (ALX homeobox 4; minus strand). Cytogenetic location: 11p11.2.
Variant type: single nucleotide variant.
Coding change: c.311A>C on transcript NM_021926.4 (MANE Select); coding-DNA position 311, A replaced by C.
Protein change: p.Gln104Pro; replaces glutamine 104 with proline.
Molecular consequence: missense variant.
Genome position (GRCh38, 1-based): chr11:44,309,752, T>G on the plus strand (A>C on the coding strand, the complement: ALX4 is on the minus strand). VCF-style: chr11-44309752-T-G. GRCh37 (hg19) VCF-style: chr11-44331302-T-G.
Other names: c.311A>C (NM_021926.3); short protein forms Q104P.
Identifiers: ClinVar variation 2992820 (VCV002992820.4), dbSNP rs758621060, ClinGen allele CA5955770.